The following is an entry in ClinVar:

ClinVar aggregate classification (germline): Uncertain significance. Review status: criteria provided, multiple submitters, no conflicts (2 of 4 stars). 2 submissions from 2 submitters: Uncertain significance (2). Last evaluated 2025-09-26.

Conditions:
Congenital disorder of glycosylation type 1E (CDG1E). Also called: CONGENITAL DISORDER OF GLYCOSYLATION, TYPE Ie; CDG Ie. Identifiers: Orphanet 79322, MedGen C1837396, MONDO:0012123, OMIM 608799.
Inborn genetic diseases. Identifiers: MedGen C0950123, MeSH D030342.

Allele frequency attached by ClinVar (database versions not stated): ExAC 0.00001; gnomAD exomes 0.00002 and 0.00003; gnomAD 0.00003; TOPMed 0.00003; ESP Exome Variant Server 0.00008.
gnomAD v4.1: 45 of 1,613,936 alleles (0.0028%); highest among the groups gnomAD compares: Non-Finnish European, 0.0036%; no homozygotes.

Submissions (2):

Ambry Genetics
Classification: Uncertain significance for Inborn genetic diseases. Last evaluated: 2025-09-26. Review status: criteria provided, single submitter. Criteria: Ambry Variant Classification Scheme 2023. Collection method: clinical testing. Allele origin: germline.

Labcorp Genetics (formerly Invitae), Labcorp
Classification: Uncertain significance for Congenital disorder of glycosylation type 1E. Last evaluated: 2022-09-13. Review status: criteria provided, single submitter. Criteria: Invitae Variant Classification Sherloc (09022015). Collection method: clinical testing. Allele origin: germline.
Comment: This sequence change replaces serine, which is neutral and polar, with glycine, which is neutral and non-polar, at codon 21 of the DPM1 protein (p.Ser21Gly). This variant is present in population databases (rs148674319, gnomAD 0.006%). This variant has not been reported in the literature in individuals affected with DPM1-related conditions. ClinVar contains an entry for this variant (Variation ID: 579929). Algorithms developed to predict the effect of missense changes on protein structure and function output the following: SIFT: "Tolerated"; PolyPhen-2: "Benign"; Align-GVGD: "Class C0". The glycine amino acid residue is found in multiple mammalian species, which suggests that this missense change does not adversely affect protein function. In summary, the available evidence is currently insufficient to determine the role of this variant in disease. Therefore, it has been classified as a Variant of Uncertain Significance.

NM_003859.3(DPM1):c.61A>G (p.Ser21Gly)

Genes: DPM1 (dolichyl-phosphate mannosyltransferase subunit 1, catalytic; minus strand), LOC130066166 (ATAC-STARR-seq lymphoblastoid active region 18108; plus strand). Cytogenetic location: 20q13.13.
Variant type: single nucleotide variant.
Coding change: c.61A>G on transcript NM_003859.3 (MANE Select); coding-DNA position 61, A replaced by G.
Protein change: p.Ser21Gly; replaces serine 21 with glycine.
Molecular consequence: missense variant. On other transcripts: non-coding transcript variant (1).
Genome position (GRCh38, 1-based): chr20:50,958,463, T>C on the plus strand (A>G on the coding strand, the complement: DPM1 is on the minus strand). VCF-style: chr20-50958463-T-C. GRCh37 (hg19) VCF-style: chr20-49575000-T-C.
Other names: c.61A>G, p.Ser21Gly (NM_001317034.1, NM_001317035.1, NM_001317036.1); short protein forms S21G.
Identifiers: ClinVar variation 579929 (VCV000579929.5), dbSNP rs148674319, ClinGen allele CA9909248.
Genomic context (GRCh38, chr20:50,958,463, plus strand): 5'-GCAGGTTCTCGCGCTCGTTGTAGGTAGGTAAAAGCACCGAATATTTGTTCTGTCGTGGAC[T>C]GCGCACTTCCAGCTCCCGCCGAGACCTGCGAGGACTACGACTGACTTCCAAGGAGGCCAT-3'
Protein context (NP_003850.1, residues 11-31): RRSRRELEVR[Ser21Gly]PRQNKYSVLL